The following is an entry in ClinVar:

ClinVar aggregate classification (germline): Uncertain significance. Review status: criteria provided, multiple submitters, no conflicts (2 of 4 stars). 2 submissions from 2 submitters: Uncertain significance (2). Last evaluated 2025-03-11.

Conditions:
Arterial tortuosity syndrome (ATORS). Identifiers: Orphanet 3342, MedGen C1859726, MONDO:0008818, OMIM 208050.

Allele frequency attached by ClinVar (database versions not stated): TOPMed 0.00002.

Submissions (2):

GeneDx
Classification: Uncertain significance. Last evaluated: 2025-03-11. Review status: criteria provided, single submitter. Criteria: GeneDx Variant Classification Process June 2021. Collection method: clinical testing. Allele origin: germline. Affected: yes.
Comment: In silico analysis supports a deleterious effect on splicing; In silico analysis indicates that this missense variant does not alter protein structure/function; Has not been previously published as pathogenic or benign to our knowledge

Labcorp Genetics (formerly Invitae), Labcorp
Classification: Uncertain significance for Arterial tortuosity syndrome. Last evaluated: 2024-11-19. Review status: criteria provided, single submitter. Criteria: Invitae Variant Classification Sherloc (09022015). Collection method: clinical testing. Allele origin: germline.
Comment: This sequence change replaces arginine, which is basic and polar, with proline, which is neutral and non-polar, at codon 516 of the SLC2A10 protein (p.Arg516Pro). This variant also falls at the last nucleotide of exon 4, which is part of the consensus splice site for this exon. This variant is present in population databases (rs760437795, gnomAD 0.02%). This variant has not been reported in the literature in individuals affected with SLC2A10-related conditions. ClinVar contains an entry for this variant (Variation ID: 643278). Invitae Evidence Modeling of protein sequence and biophysical properties (such as structural, functional, and spatial information, amino acid conservation, physicochemical variation, residue mobility, and thermodynamic stability) has been performed for this missense variant. However, the output from this modeling did not meet the statistical confidence thresholds required to predict the impact of this variant on SLC2A10 protein function. Variants that disrupt the consensus splice site are a relatively common cause of aberrant splicing (PMID: 17576681, 9536098). Algorithms developed to predict the effect of sequence changes on RNA splicing suggest that this variant may disrupt the consensus splice site. In summary, the available evidence is currently insufficient to determine the role of this variant in disease. Therefore, it has been classified as a Variant of Uncertain Significance.

Literature cited by the submitters: PubMed 17576681 (cited by Labcorp Genetics (formerly Invitae), Labcorp); PubMed 9536098 (cited by Labcorp Genetics (formerly Invitae), Labcorp).

NM_030777.4(SLC2A10):c.1547G>C (p.Arg516Pro)

Gene: SLC2A10 (solute carrier family 2 member 10; plus strand). Cytogenetic location: 20q13.12.
Variant type: single nucleotide variant.
Coding change: c.1547G>C on transcript NM_030777.4 (MANE Select); coding-DNA position 1547, G replaced by C.
Protein change: p.Arg516Pro; replaces arginine 516 with proline.
Molecular consequence: missense variant.
Genome position (GRCh38, 1-based): chr20:46,729,488, G>C. VCF-style: chr20-46729488-G-C. GRCh37 (hg19) VCF-style: chr20-45358127-G-C.
Other names: short protein forms R516P.
Identifiers: ClinVar variation 643278 (VCV000643278.9), dbSNP rs760437795, ClinGen allele CA9892240.